The following is an entry in ClinVar:

ClinVar aggregate classification (germline): Benign/Likely benign. Review status: criteria provided, multiple submitters, no conflicts (2 of 4 stars). 7 submissions from 7 submitters: Benign (1); Likely benign (5). 1 of the submissions does not count toward it. Last evaluated 2025-11-18.

Conditions:
Hereditary cancer-predisposing syndrome. Also called: Tumor predisposition; Hereditary neoplastic syndrome; Neoplastic Syndromes, Hereditary; Hereditary Cancer Syndrome. Identifiers: Orphanet 140162, MedGen C0027672, MeSH D009386, MONDO:0015356.
Familial cancer of breast. Also called: BREAST CANCER, FAMILIAL; Hereditary breast cancer; hereditary breast carcinoma. Identifiers: Orphanet 227535, MedGen C0346153, MONDO:0016419, OMIM 114480. Disease mechanism: loss of function.
Ataxia-telangiectasia syndrome (AT). Also called: ATAXIA-TELANGIECTASIA, COMPLEMENTATION GROUP A; ATAXIA-TELANGIECTASIA, FRESNO VARIANT; Ataxia-telangiectasia; LOUIS-BAR SYNDROME; Cerebello-oculocutaneous telangiectasia; Immunodeficiency with ataxia telangiectasia. Identifiers: Orphanet 100, MedGen C0004135, MONDO:0008840, OMIM 208900.

Allele frequency attached by ClinVar (database versions not stated): gnomAD 0.00001; gnomAD exomes 0.00001 and 0.00006; TOPMed 0.00002; ExAC 0.00007.
gnomAD v4.1: 16 of 1,610,750 alleles (0.00099%); highest among the groups gnomAD compares: East Asian, 0.029%; no homozygotes.

Submissions (7):

Labcorp Genetics (formerly Invitae), Labcorp
Classification: Likely benign for Ataxia-telangiectasia syndrome. Last evaluated: 2025-11-18. Review status: criteria provided, single submitter. Criteria: Invitae Variant Classification Sherloc (09022015). Collection method: clinical testing. Allele origin: germline.

Women's Health and Genetics/Laboratory Corporation of America, LabCorp
Classification: Likely benign. Last evaluated: 2025-09-29. Review status: criteria provided, single submitter. Criteria: LabCorp Variant Classification Summary - May 2015. Collection method: clinical testing. Allele origin: germline.

Myriad Genetics, Inc.
Classification: Benign for Familial cancer of breast. Last evaluated: 2024-04-18. Review status: criteria provided, single submitter. Criteria: Myriad Autosomal Dominant, Autosomal Recessive and X-Linked Classification Criteria (2023). Collection method: clinical testing. Allele origin: unknown.
Comment: This variant is considered benign. This variant is a silent/synonymous amino acid change and it is not expected to impact splicing.

GeneDx
Classification: Likely benign. Last evaluated: 2017-11-08. Review status: criteria provided, single submitter. Criteria: GeneDx Variant Classification (06012015). Collection method: clinical testing. Allele origin: germline. Affected: yes.
Comment: This variant is considered likely benign or benign based on one or more of the following criteria: it is a conservative change, it occurs at a poorly conserved position in the protein, it is predicted to be benign by multiple in silico algorithms, and/or has population frequency not consistent with disease.

Color Diagnostics, LLC DBA Color Health
Classification: Likely benign for Hereditary cancer-predisposing syndrome. Last evaluated: 2017-01-20. Review status: criteria provided, single submitter. Criteria: ACMG Guidelines, 2015. Collection method: clinical testing. Allele origin: germline.

Ambry Genetics
Classification: Likely benign for Hereditary cancer-predisposing syndrome. Last evaluated: 2015-11-23. Review status: criteria provided, single submitter. Criteria: Ambry Variant Classification Scheme 2023. Collection method: clinical testing. Allele origin: germline.

Counsyl
Classification: Likely benign for Ataxia-telangiectasia syndrome. Last evaluated: 2017-10-05. Review status: no assertion criteria provided. Collection method: clinical testing. Allele origin: unknown. Not counted in ClinVar's aggregate classification.

NM_000051.4(ATM):c.192A>G (p.Leu64=)

Gene: ATM (ATM serine/threonine kinase; plus strand). Cytogenetic location: 11q22.3.
Variant type: single nucleotide variant.
Coding change: c.192A>G on transcript NM_000051.4 (MANE Select); coding-DNA position 192, A replaced by G.
Protein change: p.Leu64=; no amino-acid change (leucine 64 retained).
Molecular consequence: synonymous variant.
Genome position (GRCh38, 1-based): chr11:108,229,184, A>G. VCF-style: chr11-108229184-A-G. GRCh37 (hg19) VCF-style: chr11-108099911-A-G.
Other names: c.192A>G, p.Leu64= (NM_001351834.2, NM_001351835.2, NM_001351836.2).
Identifiers: ClinVar variation 135738 (VCV000135738.21), dbSNP rs587780616, ClinGen allele CA332321.